The following is an entry in ClinVar:

ClinVar aggregate classification (germline): Uncertain significance (1 of 4 stars; one submission).

Conditions:
Bloom syndrome (BLM). Also called: Bloom-Torre-Machacek syndrome. Identifiers: Orphanet 125, MedGen C0005859, MONDO:0008876, OMIM 210900.

Submission:

Labcorp Genetics (formerly Invitae), Labcorp
Classification: Uncertain significance for Bloom syndrome. Last evaluated: 2022-03-05. Review status: criteria provided, single submitter. Criteria: Invitae Variant Classification Sherloc (09022015). Collection method: clinical testing. Allele origin: germline.
Comment: Algorithms developed to predict the effect of missense changes on protein structure and function (SIFT, PolyPhen-2, Align-GVGD) all suggest that this variant is likely to be tolerated. In summary, the available evidence is currently insufficient to determine the role of this variant in disease. Therefore, it has been classified as a Variant of Uncertain Significance. ClinVar contains an entry for this variant (Variation ID: 524775). This variant has not been reported in the literature in individuals affected with BLM-related conditions. This variant is not present in population databases (gnomAD no frequency). This sequence change replaces valine, which is neutral and non-polar, with glycine, which is neutral and non-polar, at codon 463 of the BLM protein (p.Val463Gly).

NM_000057.4(BLM):c.1388T>G (p.Val463Gly)

Gene: BLM (BLM RecQ like helicase; plus strand). Cytogenetic location: 15q26.1.
Variant type: single nucleotide variant.
Coding change: c.1388T>G on transcript NM_000057.4 (MANE Select); coding-DNA position 1388, T replaced by G.
Protein change: p.Val463Gly; replaces valine 463 with glycine.
Molecular consequence: missense variant.
Genome position (GRCh38, 1-based): chr15:90,760,761, T>G. VCF-style: chr15-90760761-T-G. GRCh37 (hg19) VCF-style: chr15-91303991-T-G.
Other names: c.1388T>G, p.Val463Gly (NM_001287246.2, NM_001287247.2); c.263T>G, p.Val88Gly (NM_001287248.2); short protein forms V463G, V88G.
Identifiers: ClinVar variation 524775 (VCV000524775.9), dbSNP rs1555419857, ClinGen allele CA393842957.